The following is an entry in ClinVar:

ClinVar aggregate classification (germline): Uncertain significance (1 of 4 stars; one submission).

Allele frequency attached by ClinVar (database versions not stated): TOPMed below 0.00001 and 0.00001.
gnomAD v4.1: 5 of 1,206,879 alleles (0.00041%); highest among the groups gnomAD compares: Non-Finnish European, 0.00056%; no homozygotes.

Submission:

GeneDx
Classification: Uncertain significance. Last evaluated: 2017-01-12. Review status: criteria provided, single submitter. Criteria: GeneDx Variant Classification (06012015). Collection method: clinical testing. Allele origin: germline. Affected: yes.
Comment: The T622K variant in the KDM6A gene has not been reported previously as a pathogenic variant, nor as a benign variant, to our knowledge. The T622K variant was not observed in approximately 6500 individuals of European and African American ancestry in the NHLBI Exome Sequencing Project, indicating it is not a common benign variant in these populations. The T622K variant is a semi-conservative amino acid substitution, which may impact secondary protein structure as these residues differ in some properties. This substitution occurs at a position that is conserved across species. In silico analysis predicts this variant is probably damaging to the protein structure/function. We interpret T622K as a variant of uncertain significance.

NM_001291415.2(KDM6A):c.2021C>A (p.Thr674Lys)

Gene: KDM6A (lysine demethylase 6A; plus strand). Cytogenetic location: Xp11.3.
Variant type: single nucleotide variant.
Coding change: c.2021C>A on transcript NM_001291415.2 (MANE Select); coding-DNA position 2021, C replaced by A.
Protein change: p.Thr674Lys; replaces threonine 674 with lysine.
Molecular consequence: missense variant. On other transcripts: non-coding transcript variant (1).
Genome position (GRCh38, 1-based): chrX:45,063,759, C>A. VCF-style: chrX-45063759-C-A. GRCh37 (hg19) VCF-style: chrX-44923004-C-A.
Other names: c.1886C>A, p.Thr629Lys (NM_001291416.2); c.1730C>A, p.Thr577Lys (NM_001291417.2); c.1628C>A, p.Thr543Lys (NM_001291418.2); c.977C>A, p.Thr326Lys (NM_001291421.2); c.1865C>A, p.Thr622Lys (NM_021140.4); short protein forms T622K, T674K, T543K, T629K, T326K, T577K.
Identifiers: ClinVar variation 392727 (VCV000392727.2), dbSNP rs1057524607, ClinGen allele CA16608872.